The following is an entry in ClinVar:

ClinVar aggregate classification (germline): Uncertain significance (1 of 4 stars; one submission).

gnomAD v4.1: 86 of 1,593,344 alleles (0.0054%); highest among the groups gnomAD compares: Non-Finnish European, 0.0067%; no homozygotes.

Submission:

Labcorp Genetics (formerly Invitae), Labcorp
Classification: Uncertain significance. Last evaluated: 2024-05-25. Review status: criteria provided, single submitter. Criteria: Invitae Variant Classification Sherloc (09022015). Collection method: clinical testing. Allele origin: germline.
Comment: This sequence change replaces histidine, which is basic and polar, with glutamine, which is neutral and polar, at codon 400 of the GUCY2C protein (p.His400Gln). This variant is present in population databases (rs199636407, gnomAD 0.005%). This variant has not been reported in the literature in individuals affected with GUCY2C-related conditions. Advanced modeling of protein sequence and biophysical properties (such as structural, functional, and spatial information, amino acid conservation, physicochemical variation, residue mobility, and thermodynamic stability) performed at Invitae indicates that this missense variant is not expected to disrupt GUCY2C protein function with a negative predictive value of 80%. In summary, the available evidence is currently insufficient to determine the role of this variant in disease. Therefore, it has been classified as a Variant of Uncertain Significance.

NM_004963.4(GUCY2C):c.1200C>G (p.His400Gln)

Genes: GUCY2C (guanylate cyclase 2C; minus strand), GUCY2C-AS1 (GUCY2C antisense RNA 1; plus strand). Cytogenetic location: 12p12.3.
Variant type: single nucleotide variant.
Coding change: c.1200C>G on transcript NM_004963.4 (MANE Select); coding-DNA position 1200, C replaced by G.
Protein change: p.His400Gln; replaces histidine 400 with glutamine.
Molecular consequence: missense variant.
Genome position (GRCh38, 1-based): chr12:14,669,804, G>C on the plus strand (C>G on the coding strand, the complement: GUCY2C is on the minus strand). VCF-style: chr12-14669804-G-C. GRCh37 (hg19) VCF-style: chr12-14822738-G-C.
Other names: short protein forms H400Q.
Identifiers: ClinVar variation 2885624 (VCV002885624.3), dbSNP rs199636407, ClinGen allele CA6463499.